The following is an entry in ClinVar:

NM_000384.3(APOB):c.12500T>C (p.Leu4167Pro)

Gene: APOB (apolipoprotein B; minus strand). Cytogenetic location: 2p24.1.
Variant type: single nucleotide variant.
Coding change: c.12500T>C on transcript NM_000384.3 (MANE Select); coding-DNA position 12500, T replaced by C.
Protein change: p.Leu4167Pro; replaces leucine 4167 with proline.
Molecular consequence: missense variant.
Genome position (GRCh38, 1-based): chr2:21,002,922, A>G on the plus strand (T>C on the coding strand, the complement: APOB is on the minus strand). VCF-style: chr2-21002922-A-G. GRCh37 (hg19) VCF-style: chr2-21225794-A-G.
Other names: short protein forms L4167P.
Identifiers: ClinVar variation 3767523 (VCV003767523.1).

ClinVar aggregate classification (germline): Uncertain significance (1 of 4 stars; one submission).

gnomAD v4.1: 1 of 1,613,452 alleles (0.000062%); highest among the groups gnomAD compares: Non-Finnish European, 0.000085%; no homozygotes.

Submission:

GeneDx
Classification: Uncertain significance. Last evaluated: 2024-09-10. Review status: criteria provided, single submitter. Criteria: GeneDx Variant Classification Process June 2021. Collection method: clinical testing. Allele origin: germline. Affected: yes.
Comment: Not observed at significant frequency in large population cohorts (gnomAD); In silico analysis supports that this missense variant has a deleterious effect on protein structure/function; Has not been previously published as pathogenic or benign to our knowledge